The following is an entry in ClinVar:

NM_016341.4(PLCE1):c.5330C>T (p.Thr1777Ile)

Gene: PLCE1 (phospholipase C epsilon 1; plus strand). Cytogenetic location: 10q23.33.
Variant type: single nucleotide variant.
Coding change: c.5330C>T on transcript NM_016341.4 (MANE Select); coding-DNA position 5330, C replaced by T.
Protein change: p.Thr1777Ile; replaces threonine 1777 with isoleucine.
Molecular consequence: missense variant.
Genome position (GRCh38, 1-based): chr10:94,298,541, C>T. VCF-style: chr10-94298541-C-T. GRCh37 (hg19) VCF-style: chr10-96058298-C-T.
Other names: c.4406C>T, p.Thr1469Ile (NM_001165979.2); c.5282C>T, p.Thr1761Ile (NM_001288989.2); short protein forms T1777I, T1469I, T1761I.
Identifiers: ClinVar variation 260724 (VCV000260724.26), dbSNP rs3765524, ClinGen allele CA5613337.

ClinVar aggregate classification (germline): Benign. Review status: criteria provided, multiple submitters, no conflicts (2 of 4 stars). 12 submissions from 12 submitters: Benign (11). 1 of the submissions does not count toward it. Last evaluated 2026-02-01.

Conditions:
Nephrotic syndrome, type 3 (NPHS3). Also called: NEPHROTIC SYNDROME, EARLY-ONSET, TYPE 3. Identifiers: Orphanet 656, MedGen C1853124, MONDO:0012546, OMIM 610725.
Focal segmental glomerulosclerosis (FSGS). Also called: Glomerulosclerosis, focal; Focal sclerosis with hyalinosis. Identifiers: MedGen C0017668, MONDO:0100313, HP:0000097. Disease mechanism: loss of function.

Allele frequency attached by ClinVar (database versions not stated): gnomAD exomes 0.26684 and 0.27189; ExAC 0.27114; 1000 Genomes Project 0.30791; gnomAD 0.31174 and 0.31528; 1000 Genomes Project 30x 0.31199; TOPMed 0.31843; ESP Exome Variant Server 0.32097.
gnomAD v4.1: 446,298 of 1,613,514 alleles (28%); highest among the groups gnomAD compares: Middle Eastern, 44%; 64,048 homozygotes.

Submissions (12):

Labcorp Genetics (formerly Invitae), Labcorp
Classification: Benign. Last evaluated: 2026-02-01. Review status: criteria provided, single submitter. Criteria: Invitae Variant Classification Sherloc (09022015). Collection method: clinical testing. Allele origin: germline.

Blueprint Genetics
Classification: Benign. Last evaluated: 2024-11-27. Review status: criteria provided, single submitter. Criteria: ACMG Guidelines, 2015. Collection method: clinical testing. Allele origin: germline.

Unidad de Genómica Garrahan, Hospital de Pediatría Garrahan
Classification: Benign. Last evaluated: 2024-07-15. Review status: criteria provided, single submitter. Criteria: ACMG Guidelines, 2015. Collection method: clinical testing. Allele origin: germline. Affected: no. Observed: 31 variant alleles.
Comment: This variant is classified as Benign based on local population frequency. This variant was detected in 33% of patients studied in a panel designed for Epileptic and Developmental Encephalopathy and Progressive Myoclonus Epilepsy. Number of patients: 31. Only high quality variants are reported.

Mayo Clinic Laboratories, Mayo Clinic
Classification: Benign. Last evaluated: 2022-11-16. Review status: criteria provided, single submitter. Criteria: ACMG Guidelines, 2015. Collection method: clinical testing. Allele origin: germline. Observed: 60 variant alleles.
Comment: BA1, BP4

Genome Diagnostics Laboratory, The Hospital for Sick Children
Classification: Benign for Focal segmental glomerulosclerosis. Last evaluated: 2022-09-27. Review status: criteria provided, single submitter. Criteria: ACMG Guidelines, 2015. Collection method: clinical testing. Allele origin: germline.

Genome-Nilou Lab
Classification: Benign for Nephrotic syndrome, type 3. Last evaluated: 2021-10-25. Review status: criteria provided, single submitter. Criteria: ACMG Guidelines, 2015. Collection method: clinical testing. Allele origin: germline. Affected: no.

GeneDx
Classification: Benign. Last evaluated: 2018-11-12. Review status: criteria provided, single submitter. Criteria: GeneDx Variant Classification Process June 2021. Collection method: clinical testing. Allele origin: germline. Affected: yes.
Comment: This variant is associated with the following publications: (PMID: 25139097, 20729852)

Illumina Laboratory Services, Illumina
Classification: Benign for Nephrotic syndrome, type 3. Last evaluated: 2018-03-06. Review status: criteria provided, single submitter. Criteria: ICSL Variant Classification Criteria 13 December 2019. Collection method: clinical testing. Allele origin: germline.
Comment: This variant was observed in the ICSL laboratory as part of a predisposition screen in an ostensibly healthy population. It had not been previously curated by ICSL or reported in the Human Gene Mutation Database (HGMD: prior to June 1st, 2018), and was therefore a candidate for classification through an automated scoring system. Utilizing variant allele frequency, disease prevalence and penetrance estimates, and inheritance mode, an automated score was calculated to assess if this variant is too frequent to cause the disease. Based on the score and internal cut-off values, a variant classified as benign is not then subjected to further curation. The score for this variant resulted in a classification of benign for this disease.

Genome Diagnostics Laboratory, University Medical Center Utrecht
Classification: Benign for Nephrotic syndrome, type 3. Last evaluated: 2014-10-09. Review status: criteria provided, single submitter. Criteria: ACGS Guidelines, 2013. Collection method: clinical testing. Allele origin: germline. Affected: yes. Study: VKGL Data-share Consensus.

Breakthrough Genomics
Classification: Benign. Review status: criteria provided, single submitter. Criteria: ACMG Guidelines, 2015. Collection method: not provided. Allele origin: germline. Inheritance: Autosomal recessive inheritance. Affected: yes.

PreventionGenetics, part of Exact Sciences
Classification: Benign. Review status: criteria provided, single submitter. Criteria: ACMG Guidelines, 2015. Collection method: clinical testing. Allele origin: germline.

Diagnostic Laboratory, Department of Genetics, University Medical Center Groningen
Classification: Benign for Nephrotic syndrome, type 3. Review status: no assertion criteria provided. Collection method: clinical testing. Allele origin: germline. Affected: yes. Study: VKGL Data-share Consensus. Not counted in ClinVar's aggregate classification.